The following is an entry in ClinVar:

ClinVar aggregate classification (germline): Pathogenic. Review status: criteria provided, single submitter (1 of 4 stars). 2 submissions from 2 submitters: Pathogenic (1). 1 of the submissions does not count toward it. Last evaluated 2022-07-19.

Conditions:
Charcot-Marie-Tooth disease. Also called: Charcot-Marie-Tooth Hereditary Neuropathy; Charcot-Marie-Tooth Neuropathy. Identifiers: Orphanet 166, MedGen C0007959, MONDO:0015626.
Charcot-Marie-Tooth Neuropathy X. Identifiers: MedGen CN118851.

Submissions (2):

Labcorp Genetics (formerly Invitae), Labcorp
Classification: Pathogenic for Charcot-Marie-Tooth Neuropathy X. Last evaluated: 2022-07-19. Review status: criteria provided, single submitter. Criteria: Invitae Variant Classification Sherloc (09022015). Collection method: clinical testing. Allele origin: germline.
Comment: For these reasons, this variant has been classified as Pathogenic. This variant disrupts the p.Ala96 amino acid residue in GJB1. Other variant(s) that disrupt this residue have been observed in individuals with GJB1-related conditions (PMID: 27544631, 31119804), which suggests that this may be a clinically significant amino acid residue. Algorithms developed to predict the effect of missense changes on protein structure and function (SIFT, PolyPhen-2, Align-GVGD) all suggest that this variant is likely to be disruptive. ClinVar contains an entry for this variant (Variation ID: 637230). This missense change has been observed in individuals with clinical features of Charcot-Marie-Tooth disease (PMID: 23011429, 27025386; Invitae). This variant is not present in population databases (gnomAD no frequency). This sequence change replaces alanine, which is neutral and non-polar, with proline, which is neutral and non-polar, at codon 96 of the GJB1 protein (p.Ala96Pro).

Inherited Neuropathy Consortium
Classification: Uncertain significance for Charcot-Marie-Tooth disease. Review status: no assertion criteria provided. Collection method: literature only. Allele origin: germline. Affected: yes. Not counted in ClinVar's aggregate classification.

Literature cited by the submitters: PubMed 27544631 (cited by Labcorp Genetics (formerly Invitae), Labcorp); PubMed 31119804 (cited by Labcorp Genetics (formerly Invitae), Labcorp); PubMed 23011429 (cited by Labcorp Genetics (formerly Invitae), Labcorp and Inherited Neuropathy Consortium); PubMed 27025386 (cited by Labcorp Genetics (formerly Invitae), Labcorp).

NM_000166.6(GJB1):c.286G>C (p.Ala96Pro)

Gene: GJB1 (gap junction protein beta 1; plus strand). Cytogenetic location: Xq13.1.
Variant type: single nucleotide variant.
Coding change: c.286G>C on transcript NM_000166.6 (MANE Select); coding-DNA position 286, G replaced by C.
Protein change: p.Ala96Pro; replaces alanine 96 with proline.
Molecular consequence: missense variant.
Genome position (GRCh38, 1-based): chrX:71,223,993, G>C. VCF-style: chrX-71223993-G-C. GRCh37 (hg19) VCF-style: chrX-70443843-G-C.
Other names: c.286G>C, p.Ala96Pro (NM_001097642.3); short protein forms A96P.
Identifiers: ClinVar variation 637230 (VCV000637230.8), dbSNP rs1602349112, ClinGen allele CA413501778.